The following is an entry in ClinVar:

ClinVar aggregate classification (germline): Likely benign (1 of 4 stars; one submission).

Allele frequency attached by ClinVar (database versions not stated): TOPMed 0.00002; ExAC 0.00003; gnomAD 0.00005; 1000 Genomes Project 30x 0.00062; 1000 Genomes Project 0.00080.
gnomAD v4.1: 17 of 1,614,082 alleles (0.0011%); highest among the groups gnomAD compares: African/African-American, 0.019%; no homozygotes.

Submission:

CeGaT Center for Human Genetics Tuebingen
Classification: Likely benign. Last evaluated: 2022-11-01. Review status: criteria provided, single submitter. Criteria: CeGaT Center For Human Genetics Tuebingen Variant Classification Criteria Version 2. Collection method: clinical testing. Allele origin: germline. Affected: yes. Observed: 1 variant allele.
Comment: FOXP1: BP4, BP7

NM_001349338.3(FOXP1):c.180+230T>C

Gene: FOXP1 (forkhead box P1; minus strand). Cytogenetic location: 3p13.
Variant type: single nucleotide variant.
Coding change: c.180+230T>C on transcript NM_001349338.3 (MANE Select); 230 bases into the intron after coding-DNA position 180, T replaced by C.
Molecular consequence: intron variant. On other transcripts: synonymous variant (1).
Genome position (GRCh38, 1-based): chr3:71,197,972, A>G on the plus strand (T>C on the coding strand, the complement: FOXP1 is on the minus strand). VCF-style: chr3-71197972-A-G. GRCh37 (hg19) VCF-style: chr3-71247123-A-G.
Other names: c.277T>C, p.Leu93= (NM_001012505.2); c.180+230T>C (NM_001244810.2, NM_032682.6, NM_001349340.3 and 5 more transcripts).
Identifiers: ClinVar variation 2653968 (VCV002653968.24), dbSNP rs182985163, ClinGen allele CA2491393.